The following is an entry in ClinVar:

NM_002225.5(IVD):c.2T>C (p.Met1Thr)

Gene: IVD (isovaleryl-CoA dehydrogenase; plus strand). Cytogenetic location: 15q15.1.
Variant type: single nucleotide variant.
Coding change: c.2T>C on transcript NM_002225.5 (MANE Select); coding-DNA position 2, T replaced by C.
Protein change: p.Met1Thr; changes the start codon (methionine 1).
Molecular consequence: missense variant, initiator codon variant. On other transcripts: 5 prime UTR variant (1), non-coding transcript variant (1).
Genome position (GRCh38, 1-based): chr15:40,405,829, T>C. VCF-style: chr15-40405829-T-C. GRCh37 (hg19) VCF-style: chr15-40698030-T-C.
Other names: c.2T>C, p.Met1Thr (NM_001159508.3, NM_001354598.3, NM_001354599.3 and 2 more transcripts); c.-426T>C (NM_001354597.3); short protein forms M1T.
Identifiers: ClinVar variation 1952761 (VCV001952761.6), dbSNP rs368860056, ClinGen allele CA7480459.

ClinVar aggregate classification (germline): Uncertain significance (1 of 4 stars; one submission).

Conditions:
Isovaleryl-CoA dehydrogenase deficiency (IVA). Also called: Isovaleric acidemia; Classic Isovaleric Acidemia; ISOVALERIC ACID CoA DEHYDROGENASE DEFICIENCY; IVD DEFICIENCY. Identifiers: Orphanet 33, MedGen C0268575, MONDO:0009475, OMIM 243500.

Allele frequency attached by ClinVar (database versions not stated): ExAC 0.00001; TOPMed 0.00001; ESP Exome Variant Server 0.00008.

Submission:

Labcorp Genetics (formerly Invitae), Labcorp
Classification: Uncertain significance for Isovaleryl-CoA dehydrogenase deficiency. Last evaluated: 2022-11-08. Review status: criteria provided, single submitter. Criteria: Invitae Variant Classification Sherloc (09022015). Collection method: clinical testing. Allele origin: germline.
Comment: Algorithms developed to predict the effect of missense changes on protein structure and function (SIFT, PolyPhen-2, Align-GVGD) all suggest that this variant is likely to be tolerated. In summary, the available evidence is currently insufficient to determine the role of this variant in disease. Therefore, it has been classified as a Variant of Uncertain Significance. This variant has not been reported in the literature in individuals affected with IVD-related conditions. This variant is present in population databases (rs368860056, gnomAD 0.0009%). This sequence change replaces methionine, which is neutral and non-polar, with threonine, which is neutral and polar, at codon 4 of the IVD protein (p.Met4Thr).